The following is an entry in ClinVar:

ClinVar aggregate classification (germline): Benign/Likely benign. Review status: criteria provided, multiple submitters, no conflicts (2 of 4 stars). 9 submissions from 9 submitters: Benign (4); Likely benign (4). 1 of the submissions does not count toward it. Last evaluated 2026-02-01.

Conditions:
Hereditary spastic paraplegia. Also called: Familial spastic paraparesis. Identifiers: Orphanet 685, MedGen C0037773, MONDO:0019064. Disease mechanism: loss of function.
Hereditary spastic paraplegia 48. Also called: SPASTIC PARAPLEGIA 48, AUTOSOMAL RECESSIVE; Spastic paraplegia 48. Identifiers: Orphanet 306511, MedGen C3150901, MONDO:0013342, OMIM 613647.

Allele frequency attached by ClinVar (database versions not stated): 1000 Genomes Project 0.01238; 1000 Genomes Project 30x 0.01327; gnomAD 0.01551 and 0.01579; TOPMed 0.01716; ExAC 0.01735; gnomAD exomes 0.01743 and 0.02106; ESP Exome Variant Server 0.01756.

Submissions (9):

Labcorp Genetics (formerly Invitae), Labcorp
Classification: Benign for Hereditary spastic paraplegia 48. Last evaluated: 2026-02-01. Review status: criteria provided, single submitter. Criteria: Invitae Variant Classification Sherloc (09022015). Collection method: clinical testing. Allele origin: germline.

Blueprint Genetics
Classification: Likely benign. Last evaluated: 2024-11-26. Review status: criteria provided, single submitter. Criteria: ACMG Guidelines, 2015. Collection method: clinical testing. Allele origin: germline.

Athena Diagnostics
Classification: Benign. Last evaluated: 2024-02-20. Review status: criteria provided, single submitter. Criteria: Athena Diagnostics Criteria. Collection method: clinical testing. Allele origin: unknown.

Mayo Clinic Laboratories, Mayo Clinic
Classification: Benign. Last evaluated: 2022-05-26. Review status: criteria provided, single submitter. Criteria: ACMG Guidelines, 2015. Collection method: clinical testing. Allele origin: germline. Observed: 60 variant alleles.

Genome Diagnostics Laboratory, The Hospital for Sick Children
Classification: Benign for Hereditary spastic paraplegia. Last evaluated: 2021-10-09. Review status: criteria provided, single submitter. Criteria: ACMG Guidelines, 2015. Collection method: clinical testing. Allele origin: germline. Affected: yes.

GeneDx
Classification: Likely benign. Last evaluated: 2021-08-30. Review status: criteria provided, single submitter. Criteria: GeneDx Variant Classification Process June 2021. Collection method: clinical testing. Allele origin: germline. Affected: yes.

Illumina Laboratory Services, Illumina
Classification: Likely benign for Hereditary spastic paraplegia 48. Last evaluated: 2018-01-13. Review status: criteria provided, single submitter. Criteria: ICSL Variant Classification Criteria 13 December 2019. Collection method: clinical testing. Allele origin: germline.
Comment: This variant was observed in the ICSL laboratory as part of a predisposition screen in an ostensibly healthy population. It had not been previously curated by ICSL or reported in the Human Gene Mutation Database (HGMD: prior to June 1st, 2018), and was therefore a candidate for classification through an automated scoring system. Utilizing variant allele frequency, disease prevalence and penetrance estimates, and inheritance mode, an automated score was calculated to assess if this variant is too frequent to cause the disease. Based on the score and internal cut-off values, a variant classified as likely benign is not then subjected to further curation. The score for this variant resulted in a classification of likely benign for this disease.

Breakthrough Genomics
Classification: Likely benign. Review status: criteria provided, single submitter. Criteria: ACMG Guidelines, 2015. Collection method: not provided. Allele origin: germline. Inheritance: Autosomal recessive inheritance. Affected: yes.

Genetic Services Laboratory, University of Chicago
Classification: Likely benign for AllHighlyPenetrant. Review status: no assertion criteria provided. Collection method: clinical testing. Allele origin: germline. Inheritance: Autosomal recessive inheritance. Not counted in ClinVar's aggregate classification.
Comment: Likely benign based on allele frequency in 1000 Genomes Project or ESP global frequency and its presence in a patient with a rare or unrelated disease phenotype. NOT Sanger confirmed.

Literature cited by the submitters: PubMed 25333062 (cited by Athena Diagnostics).

NM_014855.3(AP5Z1):c.1197G>A (p.Glu399=)

Gene: AP5Z1 (adaptor related protein complex 5 subunit zeta 1; plus strand). Cytogenetic location: 7p22.1.
Variant type: single nucleotide variant.
Coding change: c.1197G>A on transcript NM_014855.3 (MANE Select); coding-DNA position 1197, G replaced by A.
Protein change: p.Glu399=; no amino-acid change (glutamic acid 399 retained).
Molecular consequence: synonymous variant. On other transcripts: non-coding transcript variant (1).
Genome position (GRCh38, 1-based): chr7:4,786,314, G>A. VCF-style: chr7-4786314-G-A. GRCh37 (hg19) VCF-style: chr7-4825945-G-A.
Other names: p.Glu399=; c.1197G>A, p.Glu399= (LRG_1247t1); c.729G>A, p.Glu243= (NM_001364858.1).
Identifiers: ClinVar variation 128410 (VCV000128410.29), dbSNP rs117666541, ClinGen allele CA151859.